The following is an entry in ClinVar:

NM_004304.5(ALK):c.362G>C (p.Arg121Pro)

Gene: ALK (ALK receptor tyrosine kinase; minus strand). Cytogenetic location: 2p23.1.
Variant type: single nucleotide variant.
Coding change: c.362G>C on transcript NM_004304.5 (MANE Select); coding-DNA position 362, G replaced by C.
Protein change: p.Arg121Pro; replaces arginine 121 with proline.
Molecular consequence: missense variant.
Genome position (GRCh38, 1-based): chr2:29,920,298, C>G on the plus strand (G>C on the coding strand, the complement: ALK is on the minus strand). VCF-style: chr2-29920298-C-G. GRCh37 (hg19) VCF-style: chr2-30143164-C-G.
Other names: short protein forms R121P.
Identifiers: ClinVar variation 3646312 (VCV003646312.2).

ClinVar aggregate classification (germline): Uncertain significance (1 of 4 stars; one submission).

Conditions:
Neuroblastoma, susceptibility to, 3. Also called: ALK-Related Neuroblastic Tumor Susceptibility. Identifiers: Orphanet 635, MedGen C2751681, MONDO:0013083, OMIM 613014.

Submission:

Labcorp Genetics (formerly Invitae), Labcorp
Classification: Uncertain significance for Neuroblastoma, susceptibility to, 3. Last evaluated: 2025-07-14. Review status: criteria provided, single submitter. Criteria: Invitae Variant Classification Sherloc (09022015). Collection method: clinical testing. Allele origin: germline.
Comment: This sequence change replaces arginine, which is basic and polar, with proline, which is neutral and non-polar, at codon 121 of the ALK protein (p.Arg121Pro). This variant is not present in population databases (gnomAD no frequency). This variant has not been reported in the literature in individuals affected with ALK-related conditions. ClinVar contains an entry for this variant (Variation ID: 3646312). An algorithm developed to predict the effect of missense changes on protein structure and function outputs the following: PolyPhen-2: "Benign". The proline amino acid residue is found in multiple mammalian species, which suggests that this missense change does not adversely affect protein function. In summary, the available evidence is currently insufficient to determine the role of this variant in disease. Therefore, it has been classified as a Variant of Uncertain Significance.